The following is an entry in ClinVar:

NM_020831.6(MRTFA):c.2011C>G (p.Leu671Val)

Gene: MRTFA (myocardin related transcription factor A; minus strand). Cytogenetic location: 22q13.1.
Variant type: single nucleotide variant.
Coding change: c.2011C>G on transcript NM_020831.6 (MANE Select); coding-DNA position 2011, C replaced by G.
Protein change: p.Leu671Val; replaces leucine 671 with valine.
Molecular consequence: missense variant.
Genome position (GRCh38, 1-based): chr22:40,418,727, G>C on the plus strand (C>G on the coding strand, the complement: MRTFA is on the minus strand). VCF-style: chr22-40418727-G-C. GRCh37 (hg19) VCF-style: chr22-40814731-G-C.
Other names: c.1711C>G, p.Leu571Val (NM_001282660.2); c.1861C>G, p.Leu621Val (NM_001282661.3); c.2011C>G, p.Leu671Val (NM_001282662.3); c.1816C>G, p.Leu606Val (NM_001318139.2); short protein forms L606V, L621V, L571V, L671V.
Identifiers: ClinVar variation 4773549 (VCV004773549.1).

ClinVar aggregate classification (germline): Uncertain significance (1 of 4 stars; one submission).

gnomAD v4.1: 1 of 1,471,276 alleles (0.000068%); highest among the groups gnomAD compares: Non-Finnish European, 0.00009%; no homozygotes.

Submission:

Labcorp Genetics (formerly Invitae), Labcorp
Classification: Uncertain significance. Last evaluated: 2025-02-16. Review status: criteria provided, single submitter. Criteria: Invitae Variant Classification Sherloc (09022015). Collection method: clinical testing. Allele origin: germline.
Comment: This sequence change replaces leucine, which is neutral and non-polar, with valine, which is neutral and non-polar, at codon 571 of the MKL1 protein (p.Leu571Val). This variant is not present in population databases (gnomAD no frequency). This variant has not been reported in the literature in individuals affected with MKL1-related conditions. An algorithm developed to predict the effect of missense changes on protein structure and function (PolyPhen-2) suggests that this variant is likely to be tolerated. In summary, the available evidence is currently insufficient to determine the role of this variant in disease. Therefore, it has been classified as a Variant of Uncertain Significance.